The following is an entry in ClinVar:

NM_000138.5(FBN1):c.7676_7677del (p.Asp2559fs)

Gene: FBN1 (fibrillin 1; minus strand). Cytogenetic location: 15q21.1.
Variant type: Deletion.
Coding change: c.7676_7677del on transcript NM_000138.5 (MANE Select); coding-DNA positions 7676 to 7677, 2 bases deleted (AT; older notation c.7676_7677delAT).
Protein change: p.Asp2559fs; shifts the reading frame from aspartic acid 2559.
Molecular consequence: frameshift variant.
Genome position (GRCh38, 1-based): chr15:48,421,580-48,421,581, AT deleted on the plus strand (AT on the coding strand, the reverse complement: FBN1 is on the minus strand). VCF-style (leftmost placement, unchanged base first): chr15-48421579-GAT-G. GRCh37 (hg19) VCF-style: chr15-48713776-GAT-G.
Other names: short protein forms D2559fs.
Identifiers: ClinVar variation 1071498 (VCV001071498.7), dbSNP rs2141221768, ClinGen allele CA2499222961.

ClinVar aggregate classification (germline): Pathogenic (1 of 4 stars; one submission).

Conditions:
Familial thoracic aortic aneurysm and aortic dissection (TAAD). Also called: Thoracic aortic aneurysms and dissections. Identifiers: Orphanet 91387, MedGen C4707243, MONDO:0019625.
Marfan syndrome (MFS). Also called: Marfan syndrome type 1; Marfan's syndrome; Marfan syndrome, classic; MARFAN SYNDROME, TYPE I; FBN1-Related Marfan Syndrome. Identifiers: Orphanet 284963, Orphanet 558, MedGen C0024796, MONDO:0007947, OMIM 154700.

Submission:

Labcorp Genetics (formerly Invitae), Labcorp
Classification: Pathogenic for Marfan syndrome; Familial thoracic aortic aneurysm and aortic dissection. Last evaluated: 2020-10-11. Review status: criteria provided, single submitter. Criteria: Invitae Variant Classification Sherloc (09022015). Collection method: clinical testing. Allele origin: germline.
Comment: This sequence change creates a premature translational stop signal (p.Asp2559Alafs*7) in the FBN1 gene. It is expected to result in an absent or disrupted protein product. This variant is not present in population databases (ExAC no frequency). This variant has not been reported in the literature in individuals with FBN1-related conditions. Loss-of-function variants in FBN1 are known to be pathogenic (PMID: 17657824, 19293843). For these reasons, this variant has been classified as Pathogenic.

Literature cited by the submitters: PubMed 17657824; PubMed 19293843.